The following is an entry in ClinVar:

NM_001199799.2(ILDR1):c.33G>A (p.Leu11=)

Gene: ILDR1 (immunoglobulin like domain containing receptor 1; minus strand). Cytogenetic location: 3q13.33.
Variant type: single nucleotide variant.
Coding change: c.33G>A on transcript NM_001199799.2 (MANE Select); coding-DNA position 33, G replaced by A.
Protein change: p.Leu11=; no amino-acid change (leucine 11 retained).
Molecular consequence: synonymous variant.
Genome position (GRCh38, 1-based): chr3:122,022,045, C>T on the plus strand (G>A on the coding strand, the complement: ILDR1 is on the minus strand). VCF-style: chr3-122022045-C-T. GRCh37 (hg19) VCF-style: chr3-121740892-C-T.
Other names: c.33G>A, p.Leu11= (NM_001199800.2, NM_175924.4).
Identifiers: ClinVar variation 1696978 (VCV001696978.2), dbSNP rs2071864697, ClinGen allele CA435250733.

ClinVar aggregate classification (germline): Uncertain significance (1 of 4 stars; one submission).

Submission:

GeneDx
Classification: Uncertain significance. Last evaluated: 2022-01-12. Review status: criteria provided, single submitter. Criteria: GeneDx Variant Classification Process June 2021. Collection method: clinical testing. Allele origin: germline. Affected: yes.
Comment: Not observed at significant frequency in large population cohorts (gnomAD); In silico analysis supports that this variant does not alter splicing; Has not been previously published as pathogenic or benign to our knowledge